The following is an entry in ClinVar:

ClinVar aggregate classification (germline): Uncertain significance (1 of 4 stars; one submission).

Conditions:
Inborn genetic diseases. Identifiers: MedGen C0950123, MeSH D030342.

Submission:

Ambry Genetics
Classification: Uncertain significance for Inborn genetic diseases. Last evaluated: 2022-10-19. Review status: criteria provided, single submitter. Criteria: Ambry Variant Classification Scheme 2023. Collection method: clinical testing. Allele origin: germline.
Comment: The p.V305A variant (also known as c.914T>C), located in coding exon 8 of the ACD gene, results from a T to C substitution at nucleotide position 914. The valine at codon 305 is replaced by alanine, an amino acid with similar properties. This amino acid position is conserved. In addition, this alteration is predicted to be tolerated by in silico analysis. Since supporting evidence is limited at this time, the clinical significance of this alteration remains unclear.

NM_001082486.2(ACD):c.656T>C (p.Val219Ala)

Gene: ACD (ACD shelterin complex subunit and telomerase recruitment factor; minus strand). Cytogenetic location: 16q22.1.
Variant type: single nucleotide variant.
Coding change: c.656T>C on transcript NM_001082486.2 (MANE Select); coding-DNA position 656, T replaced by C.
Protein change: p.Val219Ala; replaces valine 219 with alanine.
Molecular consequence: missense variant.
Genome position (GRCh38, 1-based): chr16:67,658,806, A>G on the plus strand (T>C on the coding strand, the complement: ACD is on the minus strand). VCF-style: chr16-67658806-A-G. GRCh37 (hg19) VCF-style: chr16-67692709-A-G.
Other names: c.656T>C, p.Val219Ala (NM_001410884.1); c.647T>C, p.Val216Ala (NM_022914.3); short protein forms V219A, V216A.
Identifiers: ClinVar variation 1765970 (VCV001765970.2), dbSNP rs2543602574, ClinGen allele CA396353739.
Genomic context (GRCh38, chr16:67,658,806, plus strand): 5'-GAGCTCAGAATTAGCTGGTCATTCTCAGAGATGCACAGCATTGAGCTGGGGACAGTGTAC[A>G]CAGCTTCTCCCTGTGGGACATGAACTCTGTAGGACAGGCCCGTTTACTCTCATGTCCTGT-3'
Protein context (NP_001075955.2, residues 209-229): ASRCKATGEA[Val219Ala]YTVPSSMLCI